The following is an entry in ClinVar:

ClinVar aggregate classification (germline): Uncertain significance (1 of 4 stars; one submission).

Submission:

GeneDx
Classification: Uncertain significance. Last evaluated: 2025-04-16. Review status: criteria provided, single submitter. Criteria: GeneDx Variant Classification Process June 2021. Collection method: clinical testing. Allele origin: germline. Affected: yes.
Comment: Not observed at significant frequency in large population cohorts (gnomAD); In silico analysis supports that this missense variant has a deleterious effect on protein structure/function; Has not been previously published as pathogenic or benign to our knowledge

NM_170606.3(KMT2C):c.3856A>G (p.Met1286Val)

Gene: KMT2C (lysine methyltransferase 2C; minus strand). Cytogenetic location: 7q36.1.
Variant type: single nucleotide variant.
Coding change: c.3856A>G on transcript NM_170606.3 (MANE Select); coding-DNA position 3856, A replaced by G.
Protein change: p.Met1286Val; replaces methionine 1286 with valine.
Molecular consequence: missense variant.
Genome position (GRCh38, 1-based): chr7:152,205,211, T>C on the plus strand (A>G on the coding strand, the complement: KMT2C is on the minus strand). VCF-style: chr7-152205211-T-C. GRCh37 (hg19) VCF-style: chr7-151902296-T-C.
Other names: short protein forms M1286V.
Identifiers: ClinVar variation 4281966 (VCV004281966.1).